The following is an entry in ClinVar:

NM_014846.4(WASHC5):c.187-3C>T

Gene: WASHC5 (WASH complex subunit 5; minus strand). Cytogenetic location: 8q24.13.
Variant type: single nucleotide variant.
Coding change: c.187-3C>T on transcript NM_014846.4 (MANE Select); 3 bases into the intron before coding-DNA position 187, C replaced by T.
Molecular consequence: intron variant.
Genome position (GRCh38, 1-based): chr8:125,083,261, G>A on the plus strand (C>T on the coding strand, the complement: WASHC5 is on the minus strand). VCF-style: chr8-125083261-G-A. GRCh37 (hg19) VCF-style: chr8-126095503-G-A.
Other names: p.?; c.-258-3C>T (NM_001330609.2).
Identifiers: ClinVar variation 361735 (VCV000361735.19), dbSNP rs16900368, ClinGen allele CA4874178.

ClinVar aggregate classification (germline): Benign. Review status: criteria provided, multiple submitters, no conflicts (2 of 4 stars). 7 submissions from 7 submitters: Benign (7). Last evaluated 2026-01-28.

Conditions:
Hereditary spastic paraplegia 8 (SPG8). Also called: SPASTIC PARAPLEGIA 8, AUTOSOMAL DOMINANT. Identifiers: Orphanet 100989, MedGen C1863704, MONDO:0011339, OMIM 603563.
Ritscher-Schinzel syndrome. Also called: CRANIOCEREBELLOCARDIAC DYSPLASIA. Identifiers: Orphanet 7, MedGen C0796137, MONDO:0019078.

Allele frequency attached by ClinVar (database versions not stated): gnomAD exomes 0.04188 and 0.06981; ExAC 0.07804; gnomAD 0.13118 and 0.13363; TOPMed 0.13903; ESP Exome Variant Server 0.13950; 1000 Genomes Project 0.17512; 1000 Genomes Project 30x 0.17676.
gnomAD v4.1: 81,825 of 1,606,560 alleles (5.1%); highest among the groups gnomAD compares: African/African-American, 39%; 7,571 homozygotes.

Submissions (33):

Labcorp Genetics (formerly Invitae), Labcorp
Classification: Benign for Ritscher-Schinzel syndrome; Hereditary spastic paraplegia 8. Last evaluated: 2026-01-28. Review status: criteria provided, single submitter. Criteria: Invitae Variant Classification Sherloc (09022015). Collection method: clinical testing. Allele origin: germline.

Blueprint Genetics
Classification: Benign. Last evaluated: 2024-11-27. Review status: criteria provided, single submitter. Criteria: ACMG Guidelines, 2015. Collection method: clinical testing. Allele origin: germline.

Illumina Laboratory Services, Illumina
Classification: Benign for Hereditary spastic paraplegia 8. Last evaluated: 2018-01-13. Review status: criteria provided, single submitter. Criteria: ICSL Variant Classification Criteria 13 December 2019. Collection method: clinical testing. Allele origin: germline.
Comment: This variant was observed in the ICSL laboratory as part of a predisposition screen in an ostensibly healthy population. It had not been previously curated by ICSL or reported in the Human Gene Mutation Database (HGMD: prior to June 1st, 2018), and was therefore a candidate for classification through an automated scoring system. Utilizing variant allele frequency, disease prevalence and penetrance estimates, and inheritance mode, an automated score was calculated to assess if this variant is too frequent to cause the disease. Based on the score and internal cut-off values, a variant classified as benign is not then subjected to further curation. The score for this variant resulted in a classification of benign for this disease.

Athena Diagnostics
Classification: Benign for Hereditary spastic paraplegia 8. Last evaluated: 2017-04-27. Review status: criteria provided, single submitter. Criteria: Athena Diagnostics Criteria. Collection method: clinical testing. Allele origin: germline.

Mayo Clinic Laboratories, Mayo Clinic
Classification: Benign. Last evaluated: 2016-04-21. Review status: criteria provided, single submitter. Criteria: ACMG Guidelines, 2015. Collection method: clinical testing. Allele origin: germline. Observed: 133 variant alleles.

GeneDx
Classification: Benign. Last evaluated: 2016-02-24. Review status: criteria provided, single submitter. Criteria: GeneDx Variant Classification (06012015). Collection method: clinical testing. Allele origin: germline. Affected: yes.
Comment: This variant is considered likely benign or benign based on one or more of the following criteria: it is a conservative change, it occurs at a poorly conserved position in the protein, it is predicted to be benign by multiple in silico algorithms, and/or has population frequency not consistent with disease.

Breakthrough Genomics
Classification: Benign. Review status: criteria provided, single submitter. Criteria: ACMG Guidelines, 2015. Collection method: not provided. Allele origin: germline. Inheritance: Autosomal recessive inheritance. Affected: yes.

Dr. Peter K. Rogan Lab, Western University
No classification provided (evidence only). Condition: Melanoma. Review status: no classification provided. Collection method: in vitro. Allele origin: not applicable. Functional consequence: retained intron. Not counted in ClinVar's aggregate classification.

Dr. Peter K. Rogan Lab, Western University
No classification provided (evidence only). Condition: Melanoma. Review status: no classification provided. Collection method: in vitro. Allele origin: not applicable. Functional consequence: retained intron. Not counted in ClinVar's aggregate classification.

Dr. Peter K. Rogan Lab, Western University
No classification provided (evidence only). Condition: Melanoma. Review status: no classification provided. Collection method: in vitro. Allele origin: not applicable. Functional consequence: retained intron. Not counted in ClinVar's aggregate classification.

Dr. Peter K. Rogan Lab, Western University
No classification provided (evidence only). Condition: Acute myeloid leukemia. Review status: no classification provided. Collection method: in vitro. Allele origin: not applicable. Functional consequence: retained intron. Not counted in ClinVar's aggregate classification.

Dr. Peter K. Rogan Lab, Western University
No classification provided (evidence only). Condition: Acute myeloid leukemia. Review status: no classification provided. Collection method: in vitro. Allele origin: not applicable. Functional consequence: retained intron. Not counted in ClinVar's aggregate classification.

Dr. Peter K. Rogan Lab, Western University
No classification provided (evidence only). Condition: Acute myeloid leukemia. Review status: no classification provided. Collection method: in vitro. Allele origin: not applicable. Functional consequence: retained intron. Not counted in ClinVar's aggregate classification.

Dr. Peter K. Rogan Lab, Western University
No classification provided (evidence only). Condition: Acute myeloid leukemia. Review status: no classification provided. Collection method: in vitro. Allele origin: not applicable. Functional consequence: skipped exon, retained intron. Not counted in ClinVar's aggregate classification.

Dr. Peter K. Rogan Lab, Western University
No classification provided (evidence only). Condition: Acute myeloid leukemia. Review status: no classification provided. Collection method: in vitro. Allele origin: not applicable. Functional consequence: retained intron. Not counted in ClinVar's aggregate classification.

Dr. Peter K. Rogan Lab, Western University
No classification provided (evidence only). Condition: Colorectal cancer. Review status: no classification provided. Collection method: in vitro. Allele origin: not applicable. Functional consequence: retained intron. Not counted in ClinVar's aggregate classification.

Dr. Peter K. Rogan Lab, Western University
No classification provided (evidence only). Condition: Hepatocellular carcinoma. Review status: no classification provided. Collection method: in vitro. Allele origin: not applicable. Functional consequence: retained intron. Not counted in ClinVar's aggregate classification.

Dr. Peter K. Rogan Lab, Western University
No classification provided (evidence only). Condition: Nonpapillary renal cell carcinoma. Review status: no classification provided. Collection method: in vitro. Allele origin: not applicable. Functional consequence: retained intron. Not counted in ClinVar's aggregate classification.

Dr. Peter K. Rogan Lab, Western University
No classification provided (evidence only). Condition: Nonpapillary renal cell carcinoma. Review status: no classification provided. Collection method: in vitro. Allele origin: not applicable. Functional consequence: retained intron. Not counted in ClinVar's aggregate classification.

Dr. Peter K. Rogan Lab, Western University
No classification provided (evidence only). Condition: Thymoma. Review status: no classification provided. Collection method: in vitro. Allele origin: not applicable. Functional consequence: retained intron. Not counted in ClinVar's aggregate classification.

Dr. Peter K. Rogan Lab, Western University
No classification provided (evidence only). Condition: Ovarian serous cystadenocarcinoma. Review status: no classification provided. Collection method: in vitro. Allele origin: not applicable. Functional consequence: retained intron. Not counted in ClinVar's aggregate classification.

Dr. Peter K. Rogan Lab, Western University
No classification provided (evidence only). Condition: Uterine carcinosarcoma. Review status: no classification provided. Collection method: in vitro. Allele origin: not applicable. Functional consequence: skipped exon, retained intron. Not counted in ClinVar's aggregate classification.

Dr. Peter K. Rogan Lab, Western University
No classification provided (evidence only). Condition: Uveal melanoma. Review status: no classification provided. Collection method: in vitro. Allele origin: not applicable. Functional consequence: retained intron. Not counted in ClinVar's aggregate classification.

Dr. Peter K. Rogan Lab, Western University
No classification provided (evidence only). Condition: Chronic lymphocytic leukemia/small lymphocytic lymphoma. Review status: no classification provided. Collection method: in vitro. Allele origin: not applicable. Functional consequence: retained intron. Not counted in ClinVar's aggregate classification.

Dr. Peter K. Rogan Lab, Western University
No classification provided (evidence only). Condition: Chronic lymphocytic leukemia/small lymphocytic lymphoma. Review status: no classification provided. Collection method: in vitro. Allele origin: not applicable. Functional consequence: retained intron. Not counted in ClinVar's aggregate classification.

Dr. Peter K. Rogan Lab, Western University
No classification provided (evidence only). Condition: Chronic lymphocytic leukemia/small lymphocytic lymphoma. Review status: no classification provided. Collection method: in vitro. Allele origin: not applicable. Functional consequence: retained intron. Not counted in ClinVar's aggregate classification.

Dr. Peter K. Rogan Lab, Western University
No classification provided (evidence only). Condition: Familial pancreatic carcinoma. Review status: no classification provided. Collection method: in vitro. Allele origin: not applicable. Functional consequence: retained intron. Not counted in ClinVar's aggregate classification.

Dr. Peter K. Rogan Lab, Western University
No classification provided (evidence only). Condition: Familial pancreatic carcinoma. Review status: no classification provided. Collection method: in vitro. Allele origin: not applicable. Functional consequence: skipped exon, retained intron. Not counted in ClinVar's aggregate classification.

Dr. Peter K. Rogan Lab, Western University
No classification provided (evidence only). Condition: Familial pancreatic carcinoma. Review status: no classification provided. Collection method: in vitro. Allele origin: not applicable. Functional consequence: retained intron. Not counted in ClinVar's aggregate classification.

Dr. Peter K. Rogan Lab, Western University
No classification provided (evidence only). Condition: Familial pancreatic carcinoma. Review status: no classification provided. Collection method: in vitro. Allele origin: not applicable. Functional consequence: retained intron. Not counted in ClinVar's aggregate classification.

Dr. Peter K. Rogan Lab, Western University
No classification provided (evidence only). Condition: Hepatocellular carcinoma. Review status: no classification provided. Collection method: in vitro. Allele origin: not applicable. Functional consequence: retained intron. Not counted in ClinVar's aggregate classification.

Dr. Peter K. Rogan Lab, Western University
No classification provided (evidence only). Condition: Hepatocellular carcinoma. Review status: no classification provided. Collection method: in vitro. Allele origin: not applicable. Functional consequence: retained intron. Not counted in ClinVar's aggregate classification.

Dr. Peter K. Rogan Lab, Western University
No classification provided (evidence only). Condition: Ovarian cancer. Review status: no classification provided. Collection method: in vitro. Allele origin: not applicable. Functional consequence: retained intron. Not counted in ClinVar's aggregate classification.